The following is an entry in ClinVar:

ClinVar aggregate classification (germline): Likely pathogenic (1 of 4 stars; one submission).

Submission:

GeneDx
Classification: Likely pathogenic. Last evaluated: 2017-05-24. Review status: criteria provided, single submitter. Criteria: GeneDx Variant Classification (06012015). Collection method: clinical testing. Allele origin: germline. Affected: yes.
Comment: Although the c.1069_1070delAG likely pathogenic variant in the COL1A2 gene has not been reported to our knowledge, this variant causes a shift in reading frame starting at codon serine (S) 357, changing it to an arginine (R), and creating a premature stop codon at position 2 of the new reading frame, denoted p.Ser357ArgfsX2. This likely pathogenic variant is expected to result in either an abnormal, truncated protein product or loss of protein from this allele through nonsense-mediated mRNA decay. Other frameshift variants in the COL1A2 gene have been reported in Human Gene Mutation Database in association with COL1A2-related disorders (Stenson et al., 2014), indicating that loss of function is a mechanism of disease for this gene. Furthermore, the c.1069_1070delAG variant has not been observed in large population cohorts (Lek et al., 2016; 1000 Genomes Consortium et al., 2015; Exome Variant Server).

NM_000089.4(COL1A2):c.1069_1070del (p.Ser357fs)

Gene: COL1A2 (collagen type I alpha 2 chain; plus strand). Cytogenetic location: 7q21.3.
Variant type: Microsatellite.
Coding change: c.1069_1070del on transcript NM_000089.4 (MANE Select); coding-DNA positions 1069 to 1070, 2 bases deleted (AG; older notation c.1069_1070delAG).
Protein change: p.Ser357fs; shifts the reading frame from serine 357.
Molecular consequence: frameshift variant.
Genome position (GRCh38, 1-based): chr7:94,410,275-94,410,276, AG deleted; deleting any 2 consecutive bases within chr7:94,410,270-94,410,276 gives the same sequence; the c. name uses the placement nearest the transcript's 3' end. VCF-style (leftmost placement, unchanged base first): chr7-94410269-GGA-G. GRCh37 (hg19) VCF-style: chr7-94039581-GGA-G.
Other names: c.1069_1070delAG (NM_000089.3); short protein forms S357fs.
Identifiers: ClinVar variation 430289 (VCV000430289.2), dbSNP rs1131691888, ClinGen allele CA645369403.